The following is an entry in ClinVar:

NM_000181.4(GUSB):c.211-28G>A

Gene: GUSB (glucuronidase beta; minus strand). Cytogenetic location: 7q11.21.
Variant type: single nucleotide variant.
Coding change: c.211-28G>A on transcript NM_000181.4 (MANE Select); 28 bases into the intron before coding-DNA position 211, G replaced by A.
Molecular consequence: intron variant.
Genome position (GRCh38, 1-based): chr7:65,980,437, C>T on the plus strand (G>A on the coding strand, the complement: GUSB is on the minus strand). VCF-style: chr7-65980437-C-T. GRCh37 (hg19) VCF-style: chr7-65445424-C-T.
Other names: p.?; c.-119-28G>A (NM_001293105.2); c.-175-28G>A (NM_001293104.2); c.211-28G>A (NM_001284290.2).
Identifiers: ClinVar variation 4683274 (VCV004683274.1).

ClinVar aggregate classification (germline): Benign (1 of 4 stars; one submission).

gnomAD v4.1: 776 of 1,602,104 alleles (0.048%); highest among the groups gnomAD compares: African/African-American, 0.81%; 2 homozygotes.

Submission:

Mayo Clinic Laboratories, Mayo Clinic
Classification: Benign. Last evaluated: 2023-04-28. Review status: criteria provided, single submitter. Criteria: ACMG Guidelines, 2015. Collection method: clinical testing. Allele origin: germline. Observed: 3 variant alleles.
Comment: BA1, BP4, BP7